The following is an entry in ClinVar:

NM_000264.5(PTCH1):c.199A>G (p.Lys67Glu)

Gene: PTCH1 (patched 1; minus strand). Cytogenetic location: 9q22.32.
Variant type: single nucleotide variant.
Coding change: c.199A>G on transcript NM_000264.5 (MANE Select); coding-DNA position 199, A replaced by G.
Protein change: p.Lys67Glu; replaces lysine 67 with glutamic acid.
Molecular consequence: missense variant. On other transcripts: non-coding transcript variant (1), intron variant (3).
Genome position (GRCh38, 1-based): chr9:95,508,163, T>C on the plus strand (A>G on the coding strand, the complement: PTCH1 is on the minus strand). VCF-style: chr9-95508163-T-C. GRCh37 (hg19) VCF-style: chr9-98270445-T-C.
Other names: c.199A>G, p.Lys67Glu (NM_001354918.2); c.199-1564A>G (NM_001083603.3); c.4-1564A>G (NM_001083602.3, NM_001354919.2); short protein forms K67E.
Identifiers: ClinVar variation 1784123 (VCV001784123.2), dbSNP rs1396778100, ClinGen allele CA16622048.

ClinVar aggregate classification (germline): Uncertain significance (1 of 4 stars; one submission).

Conditions:
Hereditary cancer-predisposing syndrome. Also called: Neoplastic Syndromes, Hereditary; Tumor predisposition; Hereditary Cancer Syndrome; Hereditary neoplastic syndrome. Identifiers: Orphanet 140162, MedGen C0027672, MeSH D009386, MONDO:0015356.

Allele frequency attached by ClinVar (database versions not stated): gnomAD exomes below 0.00001; TOPMed below 0.00001; gnomAD 0.00001.
gnomAD v4.1: 2 of 1,612,304 alleles (0.00012%); highest among the groups gnomAD compares: East Asian, 0.0022%; no homozygotes.

Submission:

Ambry Genetics
Classification: Uncertain significance for Hereditary cancer-predisposing syndrome. Last evaluated: 2020-03-29. Review status: criteria provided, single submitter. Criteria: Ambry Variant Classification Scheme 2023. Collection method: clinical testing. Allele origin: germline.
Comment: The p.K67E variant (also known as c.199A>G), located in coding exon 1 of the PTCH1 gene, results from an A to G substitution at nucleotide position 199. The lysine at codon 67 is replaced by glutamic acid, an amino acid with similar properties. This amino acid position is well conserved in available vertebrate species. In addition, this alteration is predicted to be tolerated by in silico analysis. Since supporting evidence is limited at this time, the clinical significance of this alteration remains unclear.